The following is an entry in ClinVar:

ClinVar aggregate classification (germline): Likely benign (1 of 4 stars; one submission).

Conditions:
Lynch syndrome 5 (LYNCH5). Also called: Colorectal cancer, hereditary nonpolyposis, type 5; Hereditary non-polyposis colorectal cancer, type 5. Identifiers: Orphanet 144, MedGen C1833477, MONDO:0013710, OMIM 614350. Disease mechanism: loss of function.

Submission:

Myriad Genetics, Inc.
Classification: Likely benign for Lynch syndrome 5. Last evaluated: 2025-01-03. Review status: criteria provided, single submitter. Criteria: Myriad Autosomal Dominant, Autosomal Recessive and X-Linked Classification Criteria (2023). Collection method: clinical testing. Allele origin: unknown.
Comment: This variant is considered likely benign. This variant is intronic and is not expected to impact mRNA splicing.

NM_000179.3(MSH6):c.3173-20T>C

Gene: MSH6 (mutS homolog 6; plus strand). Cytogenetic location: 2p16.3.
Variant type: single nucleotide variant.
Coding change: c.3173-20T>C on transcript NM_000179.3 (MANE Select); 20 bases into the intron before coding-DNA position 3173, T replaced by C.
Molecular consequence: intron variant.
Genome position (GRCh38, 1-based): chr2:47,803,400, T>C. VCF-style: chr2-47803400-T-C. GRCh37 (hg19) VCF-style: chr2-48030539-T-C.
Other names: c.3173-20T>C (NM_001406809.1, NM_001406796.1, NM_001406808.1 and 1 more transcripts); c.2267-20T>C (NM_001406811.1, NM_001406814.1, NM_001281493.2 and 6 more transcripts); c.2876-20T>C (NM_001406805.1, NM_001406797.1, NM_001406801.1 and 10 more transcripts); c.3269-20T>C (NM_001406795.1, NM_001406802.1); c.3179-20T>C (NM_001406813.1); c.2648-20T>C (NM_001406807.1, NM_001406799.1, NM_001406806.1); c.3173-194T>C (NM_001406798.1); c.2309-20T>C (NM_001406803.1); and 7 more.
Identifiers: ClinVar variation 3904772 (VCV003904772.1).